The following is an entry in ClinVar:

NM_002529.4(NTRK1):c.2206-11G>A

Gene: NTRK1 (neurotrophic receptor tyrosine kinase 1; plus strand). Cytogenetic location: 1q23.1.
Variant type: single nucleotide variant.
Coding change: c.2206-11G>A on transcript NM_002529.4 (MANE Select); 11 bases into the intron before coding-DNA position 2206, G replaced by A.
Molecular consequence: intron variant.
Genome position (GRCh38, 1-based): chr1:156,881,446, G>A. VCF-style: chr1-156881446-G-A. GRCh37 (hg19) VCF-style: chr1-156851238-G-A.
Other names: c.2098-11G>A (NM_001007792.1); c.2188-11G>A (NM_001012331.2).
Identifiers: ClinVar variation 521285 (VCV000521285.16), dbSNP rs1553263326, ClinGen allele CA658795536.

ClinVar aggregate classification (germline): Conflicting classifications of pathogenicity. Review status: criteria provided, conflicting classifications (1 of 4 stars). 5 submissions from 5 submitters: Pathogenic (1); Likely pathogenic (2); Uncertain significance (2). Last evaluated 2026-06-25.

Conditions:
Hereditary insensitivity to pain with anhidrosis (CIPA). Also called: hereditary sensory and autonomic neuropathy type 4; INSENSITIVITY TO PAIN, CONGENITAL, WITH ANHIDROSIS; NTRK1 Congenital Insensitivity to Pain with Anhidrosis; HSAN Type IV; FAMILIAL DYSAUTONOMIA, TYPE II; NEUROPATHY, CONGENITAL SENSORY, WITH ANHIDROSIS. Identifiers: Orphanet 642, MedGen C0020074, MONDO:0009746, OMIM 256800.
Inborn genetic diseases. Identifiers: MedGen C0950123, MeSH D030342.

Allele frequency attached by ClinVar (database versions not stated): gnomAD 0.00001.
gnomAD v4.1: 3 of 1,556,064 alleles (0.00019%); highest among the groups gnomAD compares: Non-Finnish European, 0.00026%; no homozygotes.

Submissions (5):

Myriad Genetics, Inc.
Classification: Uncertain significance for Hereditary insensitivity to pain with anhidrosis. Last evaluated: 2026-06-25. Review status: criteria provided, single submitter. Criteria: Myriad Autosomal Dominant, Autosomal Recessive and X-Linked Classification Criteria (2023). Collection method: clinical testing. Allele origin: unknown.
Comment: NM_002529.3(NTRK1):c.2206-11G>A is an intronic variant classified as a variant of uncertain significance in the context of congenital insensitivity to pain with anhidrosis, NTRK1-related. c.2206-11G>A has been observed in cases with relevant disease (PMID: 29770739, 25519000, 40150626). Relevant functional assessments of this variant are available in the literature (PMID: 25519000). c.2206-11G>A has not been observed in referenced population frequency databases. In summary, there is insufficient evidence to classify NM_002529.3(NTRK1):c.2206-11G>A as pathogenic or benign. Please note: this variant was assessed in the context of healthy population screening.

Kasturba Medical College, Manipal, Kasturba Medical College, Manipal, Manipal Academy of Higher Education, Manipal, India
Classification: Likely pathogenic for Hereditary insensitivity to pain with anhidrosis. Last evaluated: 2025-11-19. Review status: criteria provided, single submitter. Criteria: ACMG Guidelines, 2015. Collection method: research. Allele origin: maternal. Inheritance: Autosomal recessive inheritance. Affected: yes. Observed: 1 homozygote.
Comment: This variant was observed in heterozygous state in three individuals in gnomAD database (v4.1.0) and in one individual in our in-house data of 3871 exomes. This variant is not observed in homozygous state in gnomAD database (v4.1.0) and in our in-house data of 3871 exomes. This variant has been reported in an individual with congenital insensitivity to pain with anhidrosis and the authors show that this variant leads to an in-frame intron retention of 9bp in the cDNA derived from patient’s lymphoblasts (Yiş et al., 2015).

CeGaT Center for Human Genetics Tuebingen
Classification: Pathogenic. Last evaluated: 2025-11-01. Review status: criteria provided, single submitter. Criteria: CeGaT Center For Human Genetics Tuebingen Variant Classification Criteria Version 2. Collection method: clinical testing. Allele origin: germline. Affected: yes. Observed: 2 variant alleles.
Comment: NTRK1: PM3:Very Strong, PM2, PVS1:Moderate

Labcorp Genetics (formerly Invitae), Labcorp
Classification: Uncertain significance for Hereditary insensitivity to pain with anhidrosis. Last evaluated: 2023-04-18. Review status: criteria provided, single submitter. Criteria: Invitae Variant Classification Sherloc (09022015). Collection method: clinical testing. Allele origin: germline.
Comment: This sequence change falls in intron 15 of the NTRK1 gene. It does not directly change the encoded amino acid sequence of the NTRK1 protein. RNA analysis indicates that this variant induces altered splicing and likely results in the gain of 3 amino acid residue(s), but is expected to preserve the integrity of the reading-frame. This variant is not present in population databases (gnomAD no frequency). This variant has been observed in individual(s) with congenital insensitivity to pain with anhidrosis (PMID: 25519000). ClinVar contains an entry for this variant (Variation ID: 521285). In summary, the available evidence is currently insufficient to determine the role of this variant in disease. Therefore, it has been classified as a Variant of Uncertain Significance. Studies have shown that this variant results in the activation of a cryptic splice site in intron 15 (PMID: 25519000).

Ambry Genetics
Classification: Likely pathogenic for Inborn genetic diseases. Last evaluated: 2020-12-01. Review status: criteria provided, single submitter. Criteria: Ambry Variant Classification Scheme 2023. Collection method: clinical testing. Allele origin: germline.
Comment: The c.2188-11G>A intronic variant results from a G to A substitution 11 nucleotides upstream from coding exon 16 in the NTRK1 gene. Sequencing of the extracted mRNA from an affected patient and the parents' lymphoblasts revealed a retention of 9 base pairs from the intron that is predicted to insert three amino acids into the protein (p.E729_A730insWPQ) (Yi U et al. Acta Neurol Belg, 2015 Sep;115:509-11). This variant was not reported in population-based cohorts in the Genome Aggregation Database (gnomAD). This nucleotide position is not well conserved in available vertebrate species. In silico splice site analysis predicts that this alteration will weaken the native splice acceptor site and will result in the creation or strengthening of a novel splice acceptor site. Based on the majority of available evidence to date, this variant is likely to be pathogenic.

Literature cited by the submitters: PubMed 25519000 (cited by 4 submitters); PubMed 29770739 (cited by Myriad Genetics, Inc.); PubMed 40150626 (cited by Myriad Genetics, Inc.).